The following is an entry in ClinVar:

NM_000059.4(BRCA2):c.2039_2043del (p.Thr680fs)

Gene: BRCA2 (BRCA2 DNA repair associated; plus strand). Cytogenetic location: 13q13.1.
Variant type: Deletion.
Coding change: c.2039_2043del on transcript NM_000059.4 (MANE Select); coding-DNA positions 2039 to 2043, 5 bases deleted (CAGTA; older notation c.2039_2043delCAGTA).
Protein change: p.Thr680fs; shifts the reading frame from threonine 680.
Molecular consequence: frameshift variant. On other transcripts: non-coding transcript variant (1), intron variant (2).
Genome position (GRCh38, 1-based): chr13:32,336,394-32,336,398, CAGTA deleted; deleting any 5 consecutive bases within chr13:32,336,392-32,336,398 gives the same sequence; the c. name uses the placement nearest the transcript's 3' end. VCF-style (leftmost placement, unchanged base first): chr13-32336391-ATACAG-A. GRCh37 (hg19) VCF-style: chr13-32910528-ATACAG-A.
Other names: c.2039_2043del, p.Thr680fs (NM_001406719.1, NM_001406720.1); c.1909+3007_1909+3011del (NM_001406721.1); c.424+5364_424+5368del (NM_001406722.1); short protein forms T680fs.
Identifiers: ClinVar variation 2583840 (VCV002583840.3), dbSNP rs2548523045, ClinGen allele CA2582341831.

ClinVar aggregate classification (germline): Pathogenic/Likely pathogenic. Review status: criteria provided, multiple submitters, no conflicts (2 of 4 stars). 2 submissions from 2 submitters: Pathogenic (1); Likely pathogenic (1). Last evaluated 2023-06-06.

Conditions:
Familial cancer of breast. Also called: BREAST CANCER, FAMILIAL; hereditary breast carcinoma; Hereditary breast cancer. Identifiers: Orphanet 227535, MedGen C0346153, MONDO:0016419, OMIM 114480. Disease mechanism: loss of function.
Breast-ovarian cancer, familial, susceptibility to, 2 (BROVCA2). Also called: BRCA2 Hereditary Breast and Ovarian Cancer. Identifiers: Orphanet 145, MedGen C2675520, MONDO:0012933, OMIM 612555. Disease mechanism: loss of function.

Submissions (2):

Myriad Genetics, Inc.
Classification: Pathogenic for Breast-ovarian cancer, familial, susceptibility to, 2. Last evaluated: 2023-06-06. Review status: criteria provided, single submitter. Criteria: Myriad Autosomal Dominant, Autosomal Recessive and X-Linked Classification Criteria (2023). Collection method: clinical testing. Allele origin: unknown.
Comment: This variant is considered pathogenic. This variant creates a frameshift predicted to result in premature protein truncation.

Baylor Genetics
Classification: Likely pathogenic for Familial cancer of breast. Last evaluated: 2021-06-09. Review status: criteria provided, single submitter. Criteria: ACMG Guidelines, 2015. Collection method: clinical testing. Allele origin: unknown.